The following is an entry in ClinVar:

NM_004336.5(BUB1):c.1180A>C (p.Thr394Pro)

Gene: BUB1 (BUB1 mitotic checkpoint serine/threonine kinase; minus strand). Cytogenetic location: 2q13.
Variant type: single nucleotide variant.
Coding change: c.1180A>C on transcript NM_004336.5 (MANE Select); coding-DNA position 1180, A replaced by C.
Protein change: p.Thr394Pro; replaces threonine 394 with proline.
Molecular consequence: missense variant.
Genome position (GRCh38, 1-based): chr2:110,661,619, T>G on the plus strand (A>C on the coding strand, the complement: BUB1 is on the minus strand). VCF-style: chr2-110661619-T-G. GRCh37 (hg19) VCF-style: chr2-111419196-T-G.
Other names: c.1120A>C, p.Thr374Pro (NM_001278616.2); c.1180A>C, p.Thr394Pro (NM_001278617.2); short protein forms T394P, T374P.
Identifiers: ClinVar variation 3483039 (VCV003483039.1).

ClinVar aggregate classification (germline): Uncertain significance (1 of 4 stars; one submission).

Submission:

Ambry Genetics
Classification: Uncertain significance. Last evaluated: 2024-08-12. Review status: criteria provided, single submitter. Criteria: Ambry Variant Classification Scheme 2023. Collection method: clinical testing. Allele origin: germline.
Comment: The p.T394P variant (also known as c.1180A>C), located in coding exon 10 of the BUB1 gene, results from an A to C substitution at nucleotide position 1180. The threonine at codon 394 is replaced by proline, an amino acid with highly similar properties. This amino acid position is conserved. In addition, this alteration is predicted to be tolerated by in silico analysis. Based on the available evidence, the clinical significance of this variant remains unclear.